The following is an entry in ClinVar:

ClinVar aggregate classification (germline): Uncertain significance. Review status: criteria provided, multiple submitters, no conflicts (2 of 4 stars). 2 submissions from 2 submitters: Uncertain significance (2). Last evaluated 2025-09-10.

Conditions:
Spastic paraplegia. Identifiers: MedGen C0037772, HP:0001258.
Hereditary spastic paraplegia 13 (SPG13). Also called: SPASTIC PARAPLEGIA 13, AUTOSOMAL DOMINANT; Spastic paraplegia 13. Identifiers: Orphanet 100994, MedGen C1854467, MONDO:0011532, OMIM 605280.

Allele frequency attached by ClinVar (database versions not stated): gnomAD exomes below 0.00001.
gnomAD v4.1: 1 of 1,612,774 alleles (0.000062%); highest among the groups gnomAD compares: Non-Finnish European, 0.000085%; no homozygotes.

Submissions (2):

Labcorp Genetics (formerly Invitae), Labcorp
Classification: Uncertain significance for Spastic paraplegia. Last evaluated: 2025-09-10. Review status: criteria provided, single submitter. Criteria: Invitae Variant Classification Sherloc (09022015). Collection method: clinical testing. Allele origin: germline.
Comment: This sequence change replaces valine, which is neutral and non-polar, with isoleucine, which is neutral and non-polar, at codon 287 of the HSPD1 protein (p.Val287Ile). This variant is not present in population databases (gnomAD no frequency). This variant has not been reported in the literature in individuals affected with HSPD1-related conditions. ClinVar contains an entry for this variant (Variation ID: 333309). Invitae Evidence Modeling of protein sequence and biophysical properties (such as structural, functional, and spatial information, amino acid conservation, physicochemical variation, residue mobility, and thermodynamic stability) indicates that this missense variant is not expected to disrupt HSPD1 protein function with a negative predictive value of 80%. In summary, the available evidence is currently insufficient to determine the role of this variant in disease. Therefore, it has been classified as a Variant of Uncertain Significance.

Illumina Laboratory Services, Illumina
Classification: Uncertain significance for Hereditary spastic paraplegia 13. Last evaluated: 2018-01-13. Review status: criteria provided, single submitter. Criteria: ICSL Variant Classification Criteria 13 December 2019. Collection method: clinical testing. Allele origin: germline.

NM_002156.5(HSPD1):c.859G>A (p.Val287Ile)

Gene: HSPD1 (heat shock protein family D (Hsp60) member 1; minus strand). Cytogenetic location: 2q33.1.
Variant type: single nucleotide variant.
Coding change: c.859G>A on transcript NM_002156.5 (MANE Select); coding-DNA position 859, G replaced by A.
Protein change: p.Val287Ile; replaces valine 287 with isoleucine.
Molecular consequence: missense variant.
Genome position (GRCh38, 1-based): chr2:197,493,334, C>T on the plus strand (G>A on the coding strand, the complement: HSPD1 is on the minus strand). VCF-style: chr2-197493334-C-T. GRCh37 (hg19) VCF-style: chr2-198358058-C-T.
Other names: c.859G>A, p.Val287Ile (NM_199440.2); short protein forms V287I.
Identifiers: ClinVar variation 333309 (VCV000333309.6), dbSNP rs886055387, ClinGen allele CA10612283.